The following is an entry in ClinVar:

NM_003114.5(SPAG1):c.301-8A>G

Genes: SPAG1 (sperm associated antigen 1; plus strand), VPS13B (vacuolar protein sorting 13 homolog B; plus strand). Cytogenetic location: 8q22.2.
Variant type: single nucleotide variant.
Coding change: c.301-8A>G on transcript NM_003114.5 (MANE Select); 8 bases into the intron before coding-DNA position 301, A replaced by G.
Molecular consequence: intron variant.
Genome position (GRCh38, 1-based): chr8:100,177,808, A>G. VCF-style: chr8-100177808-A-G. GRCh37 (hg19) VCF-style: chr8-101190036-A-G.
Other names: c.301-8A>G (NM_001374321.1, NM_172218.3).
Identifiers: ClinVar variation 416527 (VCV000416527.15), dbSNP rs371427575, ClinGen allele CA4827224.

ClinVar aggregate classification (germline): Likely benign. Review status: criteria provided, multiple submitters, no conflicts (2 of 4 stars). 4 submissions from 4 submitters: Likely benign (3). 1 of the submissions does not count toward it. Last evaluated 2026-01-26.

Conditions:
VPS13B-related disorder. Also called: VPS13B-related condition.
Primary ciliary dyskinesia 28. Also called: CILIARY DYSKINESIA, PRIMARY, 28, WITH OR WITHOUT SITUS INVERSUS. Identifiers: Orphanet 244, MedGen C3809706, MONDO:0014216, OMIM 615505.

Allele frequency attached by ClinVar (database versions not stated): gnomAD 0.00033 and 0.00034; gnomAD exomes 0.00039; TOPMed 0.00039; ESP Exome Variant Server 0.00046; ExAC 0.00080.
gnomAD v4.1: 458 of 1,448,478 alleles (0.032%); highest among the groups gnomAD compares: Middle Eastern, 0.17%; 1 homozygote.

Submissions (4):

Labcorp Genetics (formerly Invitae), Labcorp
Classification: Likely benign for Primary ciliary dyskinesia 28. Last evaluated: 2026-01-26. Review status: criteria provided, single submitter. Criteria: Invitae Variant Classification Sherloc (09022015). Collection method: clinical testing. Allele origin: germline.

Blueprint Genetics
Classification: Likely benign. Last evaluated: 2024-10-14. Review status: criteria provided, single submitter. Criteria: ACMG Guidelines, 2015. Collection method: clinical testing. Allele origin: germline.

Breakthrough Genomics
Classification: Likely benign. Review status: criteria provided, single submitter. Criteria: ACMG Guidelines, 2015. Collection method: not provided. Allele origin: germline. Inheritance: Autosomal recessive inheritance. Affected: yes.

PreventionGenetics, part of Exact Sciences
Classification: Likely benign for VPS13B-related condition. Last evaluated: 2023-12-04. Review status: no assertion criteria provided. Collection method: clinical testing. Allele origin: germline. Not counted in ClinVar's aggregate classification.
Comment: This variant is classified as likely benign based on ACMG/AMP sequence variant interpretation guidelines (Richards et al. 2015 PMID: 25741868, with internal and published modifications).